The following is an entry in ClinVar:

NM_024675.4(PALB2):c.349C>A (p.Pro117Thr)

Gene: PALB2 (partner and localizer of BRCA2; minus strand). Cytogenetic location: 16p12.2.
Variant type: single nucleotide variant.
Coding change: c.349C>A on transcript NM_024675.4 (MANE Select); coding-DNA position 349, C replaced by A.
Protein change: p.Pro117Thr; replaces proline 117 with threonine.
Molecular consequence: missense variant.
Genome position (GRCh38, 1-based): chr16:23,636,197, G>T on the plus strand (C>A on the coding strand, the complement: PALB2 is on the minus strand). VCF-style: chr16-23636197-G-T. GRCh37 (hg19) VCF-style: chr16-23647518-G-T.
Other names: short protein forms P117T.
Identifiers: ClinVar variation 480248 (VCV000480248.24), dbSNP rs1413238389, ClinGen allele CA395137687.

ClinVar aggregate classification (germline): Conflicting classifications of pathogenicity. Review status: criteria provided, conflicting classifications (1 of 4 stars). 7 submissions from 7 submitters: Uncertain significance (4); Likely benign (2). 1 of the submissions does not count toward it. Last evaluated 2026-02-12.

Conditions:
Familial cancer of breast. Also called: Hereditary breast cancer; BREAST CANCER, FAMILIAL; hereditary breast carcinoma. Identifiers: Orphanet 227535, MedGen C0346153, MONDO:0016419, OMIM 114480. Disease mechanism: loss of function.
Hereditary cancer-predisposing syndrome. Also called: Tumor predisposition; Hereditary Cancer Syndrome; Neoplastic Syndromes, Hereditary; Hereditary neoplastic syndrome. Identifiers: Orphanet 140162, MedGen C0027672, MeSH D009386, MONDO:0015356.
Breast-ovarian cancer, familial, susceptibility to, 5 (BROVCA5). Identifiers: MedGen C5830615, MONDO:0957530, OMIM 620442.

Allele frequency attached by ClinVar (database versions not stated): gnomAD exomes below 0.00001; TOPMed 0.00001.
gnomAD v4.1: 9 of 1,613,206 alleles (0.00056%); highest among the groups gnomAD compares: Non-Finnish European, 0.00076%; no homozygotes.

Submissions (7):

Myriad Genetics, Inc.
Classification: Likely benign for Familial cancer of breast. Last evaluated: 2026-02-12. Review status: criteria provided, single submitter. Criteria: Myriad Autosomal Dominant, Autosomal Recessive and X-Linked Classification Criteria (2023). Collection method: clinical testing. Allele origin: unknown.
Comment: This variant is considered likely benign. This variant is strongly associated with less severe personal and family histories of cancer, typical for individuals without pathogenic variants in this gene [PMID: 25085752].

Labcorp Genetics (formerly Invitae), Labcorp
Classification: Uncertain significance for Familial cancer of breast. Last evaluated: 2025-03-25. Review status: criteria provided, single submitter. Criteria: Invitae Variant Classification Sherloc (09022015). Collection method: clinical testing. Allele origin: germline.
Comment: This sequence change replaces proline, which is neutral and non-polar, with threonine, which is neutral and polar, at codon 117 of the PALB2 protein (p.Pro117Thr). This variant is present in population databases (no rsID available, gnomAD 0.0009%). This variant has not been reported in the literature in individuals affected with PALB2-related conditions. ClinVar contains an entry for this variant (Variation ID: 480248). An algorithm developed to predict the effect of missense changes on protein structure and function (PolyPhen-2) suggests that this variant is likely to be tolerated. In summary, the available evidence is currently insufficient to determine the role of this variant in disease. Therefore, it has been classified as a Variant of Uncertain Significance.

Color Diagnostics, LLC DBA Color Health
Classification: Uncertain significance for Hereditary cancer-predisposing syndrome. Last evaluated: 2024-08-14. Review status: criteria provided, single submitter. Criteria: ACMG Guidelines, 2015. Collection method: clinical testing. Allele origin: germline.
Comment: This missense variant replaces proline with threonine at codon 117 of the PALB2 protein. Computational prediction suggests that this variant may not impact protein structure and function. To our knowledge, functional studies have not been reported for this variant. This variant has been detected two individuals affected with breast and/or ovarian cancer and in an unaffected individual (PMID: 28779002, 29522266, 37686625), and it also has been detected in a breast cancer case-control meta-analysis in 3/60466 cases and 2/53461 unaffected individuals (PMID: 33471991; Leiden Open Variation Database DB-ID PALB2_011191). This variant has been identified in 1/250716 chromosomes in the general population by the Genome Aggregation Database (gnomAD). The available evidence is insufficient to determine the role of this variant in disease conclusively. Therefore, this variant is classified as a Variant of Uncertain Significance.

Ambry Genetics
Classification: Likely benign for Hereditary cancer-predisposing syndrome. Last evaluated: 2024-03-21. Review status: criteria provided, single submitter. Criteria: Ambry Variant Classification Scheme 2023. Collection method: clinical testing. Allele origin: germline.

GeneDx
Classification: Uncertain significance. Last evaluated: 2024-02-16. Review status: criteria provided, single submitter. Criteria: GeneDx Variant Classification Process June 2021. Collection method: clinical testing. Allele origin: germline. Affected: yes.
Comment: Not observed at significant frequency in large population cohorts (gnomAD); In silico analysis supports that this missense variant does not alter protein structure/function; Identified in individual(s) with breast and/or ovarian cancer (PMID: 37686625); This variant is associated with the following publications: (PMID: 26822149, 19369211, 20871615, 28779002, 37686625)

Institute for Clinical Genetics, University Hospital TU Dresden, University Hospital TU Dresden
Classification: Uncertain significance. Last evaluated: 2021-11-03. Review status: criteria provided, single submitter. Criteria: ACMG Guidelines, 2015. Collection method: clinical testing. Allele origin: germline.

Zotz-Klimas Genetics Lab, MVZ Zotz Klimas
Classification: Uncertain significance for Breast-ovarian cancer, familial, susceptibility to, 5. Last evaluated: 2023-11-24. Review status: no assertion criteria provided. Collection method: clinical testing. Allele origin: germline. Affected: yes. Not counted in ClinVar's aggregate classification.

Literature cited by the submitters: PubMed 25085752 (cited by Myriad Genetics, Inc.); PubMed 28779002 (cited by Color Diagnostics, LLC DBA Color Health and Ambry Genetics); PubMed 29522266 (cited by Color Diagnostics, LLC DBA Color Health and Ambry Genetics); PubMed 33471991 (cited by Color Diagnostics, LLC DBA Color Health); PubMed 37686625 (cited by Color Diagnostics, LLC DBA Color Health).